The following is an entry in ClinVar:

ClinVar aggregate classification (germline): Uncertain significance (1 of 4 stars; one submission).

Allele frequency attached by ClinVar (database versions not stated): ExAC 0.00011.
gnomAD v4.1: 1 of 1,484,248 alleles (0.000067%); highest among the groups gnomAD compares: Non-Finnish European, 0.000089%; no homozygotes.

Submission:

Labcorp Genetics (formerly Invitae), Labcorp
Classification: Uncertain significance. Last evaluated: 2023-03-27. Review status: criteria provided, single submitter. Criteria: Invitae Variant Classification Sherloc (09022015). Collection method: clinical testing. Allele origin: germline.
Comment: This variant has not been reported in the literature in individuals affected with FBXW4-related conditions. In summary, the available evidence is currently insufficient to determine the role of this variant in disease. Therefore, it has been classified as a Variant of Uncertain Significance. An algorithm developed to predict the effect of missense changes on protein structure and function (PolyPhen-2) suggests that this variant is likely to be tolerated. The frequency data for this variant in the population databases is considered unreliable, as metrics indicate poor data quality at this position in the gnomAD database. This sequence change replaces threonine, which is neutral and polar, with lysine, which is basic and polar, at codon 81 of the FBXW4 protein (p.Thr81Lys).

NM_022039.4(FBXW4):c.707C>A (p.Thr236Lys)

Genes: FBXW4 (F-box and WD repeat domain containing 4; minus strand), LOC130004563 (ATAC-STARR-seq lymphoblastoid silent region 2723; plus strand). Cytogenetic location: 10q24.32.
Variant type: single nucleotide variant.
Coding change: c.707C>A on transcript NM_022039.4 (MANE Select); coding-DNA position 707, C replaced by A.
Protein change: p.Thr236Lys; replaces threonine 236 with lysine.
Molecular consequence: missense variant. On other transcripts: non-coding transcript variant (1), intron variant (1).
Genome position (GRCh38, 1-based): chr10:101,694,399, G>T on the plus strand (C>A on the coding strand, the complement: FBXW4 is on the minus strand). VCF-style: chr10-101694399-G-T. GRCh37 (hg19) VCF-style: chr10-103454156-G-T.
Other names: c.-2+841C>A (NM_001323541.2); short protein forms T236K.
Identifiers: ClinVar variation 2833801 (VCV002833801.3), dbSNP rs761288374, ClinGen allele CA5657459.